The following is an entry in ClinVar:

NM_002335.4(LRP5):c.3916G>A (p.Ala1306Thr)

Gene: LRP5 (LDL receptor related protein 5; plus strand). Cytogenetic location: 11q13.2.
Variant type: single nucleotide variant.
Coding change: c.3916G>A on transcript NM_002335.4 (MANE Select); coding-DNA position 3916, G replaced by A.
Protein change: p.Ala1306Thr; replaces alanine 1306 with threonine.
Molecular consequence: missense variant.
Genome position (GRCh38, 1-based): chr11:68,433,754, G>A. VCF-style: chr11-68433754-G-A. GRCh37 (hg19) VCF-style: chr11-68201222-G-A.
Other names: c.2173G>A, p.Ala725Thr (NM_001291902.2); c.3916G>A (NM_002335.2); short protein forms A1306T, A725T.
Identifiers: ClinVar variation 1040584 (VCV001040584.11), dbSNP rs748395267, ClinGen allele CA6150152.

ClinVar aggregate classification (germline): Uncertain significance. Review status: criteria provided, multiple submitters, no conflicts (2 of 4 stars). 4 submissions from 4 submitters: Uncertain significance (4). Last evaluated 2025-08-22.

Conditions:
Inborn genetic diseases. Identifiers: MedGen C0950123, MeSH D030342.
Exudative vitreoretinopathy 4 (EVR4). Identifiers: Orphanet 891, MedGen C1866176, MONDO:0011151, OMIM 601813.
Worth disease. Also called: Autosomal dominant osteosclerosis, Worth type; ENDOSTEAL HYPEROSTOSIS, AUTOSOMAL DOMINANT; OSTEOSCLEROSIS, AUTOSOMAL DOMINANT. Identifiers: Orphanet 2790, MedGen C0432273, MONDO:0007764, OMIM 144750.
Polycystic liver disease 4 with or without kidney cysts. Identifiers: MedGen C4693479, MONDO:0044327, OMIM 617875.
Osteoporosis with pseudoglioma (OPPG). Also called: osteoporosis-pseudoglioma syndrome. Identifiers: Orphanet 2788, MedGen C0432252, MONDO:0009820, OMIM 259770.
Autosomal dominant osteopetrosis 1 (OPTA1). Also called: OSTEOPETROSIS, AUTOSOMAL DOMINANT, TYPE I. Identifiers: Orphanet 2783, MedGen C1843330, MONDO:0011877, OMIM 607634.
Bone mineral density quantitative trait locus 1 (BMND1). Identifiers: MedGen C1866079, OMIM 601884.

Allele frequency attached by ClinVar (database versions not stated): gnomAD 0.00003; TOPMed 0.00003; gnomAD exomes 0.00004; ExAC 0.00008.
gnomAD v4.1: 58 of 1,612,630 alleles (0.0036%); highest among the groups gnomAD compares: Middle Eastern, 0.033%; no homozygotes.

Submissions (4):

Labcorp Genetics (formerly Invitae), Labcorp
Classification: Uncertain significance. Last evaluated: 2025-08-22. Review status: criteria provided, single submitter. Criteria: Invitae Variant Classification Sherloc (09022015). Collection method: clinical testing. Allele origin: germline.
Comment: This sequence change replaces alanine, which is neutral and non-polar, with threonine, which is neutral and polar, at codon 1306 of the LRP5 protein (p.Ala1306Thr). This variant is present in population databases (rs748395267, gnomAD 0.03%). This variant has not been reported in the literature in individuals affected with LRP5-related conditions. ClinVar contains an entry for this variant (Variation ID: 1040584). Invitae Evidence Modeling of protein sequence and biophysical properties (such as structural, functional, and spatial information, amino acid conservation, physicochemical variation, residue mobility, and thermodynamic stability) indicates that this missense variant is not expected to disrupt LRP5 protein function with a negative predictive value of 95%. In summary, the available evidence is currently insufficient to determine the role of this variant in disease. Therefore, it has been classified as a Variant of Uncertain Significance.

Ambry Genetics
Classification: Uncertain significance for Inborn genetic diseases. Last evaluated: 2025-04-20. Review status: criteria provided, single submitter. Criteria: Ambry Variant Classification Scheme 2023. Collection method: clinical testing. Allele origin: germline.

Blueprint Genetics
Classification: Uncertain significance. Last evaluated: 2024-10-04. Review status: criteria provided, single submitter. Criteria: ACMG Guidelines, 2015. Collection method: clinical testing. Allele origin: germline.

Fulgent Genetics
Classification: Uncertain significance for Worth disease; Osteoporosis with pseudoglioma; Exudative vitreoretinopathy 4; Bone mineral density quantitative trait locus 1; Autosomal dominant osteopetrosis 1; Polycystic liver disease 4 with or without kidney cysts. Last evaluated: 2024-05-04. Review status: criteria provided, single submitter. Criteria: ACMG Guidelines, 2015. Collection method: clinical testing. Allele origin: germline.